The following is an entry in ClinVar:

NM_001267550.2(TTN):c.104225G>T (p.Ser34742Ile)

Genes: TTN (titin; minus strand), TTN-AS1 (TTN antisense RNA 1; plus strand). Cytogenetic location: 2q31.2.
Variant type: single nucleotide variant.
Coding change: c.104225G>T on transcript NM_001267550.2 (MANE Select); coding-DNA position 104225, G replaced by T.
Protein change: p.Ser34742Ile; replaces serine 34742 with isoleucine.
Molecular consequence: missense variant.
Genome position (GRCh38, 1-based): chr2:178,532,390, C>A on the plus strand (G>T on the coding strand, the complement: TTN is on the minus strand). VCF-style: chr2-178532390-C-A. GRCh37 (hg19) VCF-style: chr2-179397117-C-A.
Other names: c.99302G>T, p.Ser33101Ile (NM_001256850.1); c.77030G>T, p.Ser25677Ile (NM_003319.4); c.96521G>T, p.Ser32174Ile (NM_133378.4); c.77405G>T, p.Ser25802Ile (NM_133432.3); c.77606G>T, p.Ser25869Ile (NM_133437.4); short protein forms S25677I, S25802I, S25869I, S32174I, S33101I, S34742I.
Identifiers: ClinVar variation 2938968 (VCV002938968.3), dbSNP rs765636638, ClinGen allele CA1985457.

ClinVar aggregate classification (germline): Uncertain significance (1 of 4 stars; one submission).

Conditions:
Dilated cardiomyopathy 1G (CMD1G). Identifiers: Orphanet 154, MedGen C1858763, MONDO:0011400, OMIM 604145.
Autosomal recessive limb-girdle muscular dystrophy type 2J (LGMDR10). Also called: Limb-girdle muscular dystrophy, type 2J; MUSCULAR DYSTROPHY, LIMB-GIRDLE, AUTOSOMAL RECESSIVE 10. Identifiers: Orphanet 140922, MedGen C1837342, MONDO:0012127, OMIM 608807.

Allele frequency attached by ClinVar (database versions not stated): ExAC 0.00001; gnomAD 0.00001; TOPMed 0.00002.
gnomAD v4.1: 3 of 1,613,854 alleles (0.00019%); highest among the groups gnomAD compares: African/African-American, 0.0027%; no homozygotes.

Submission:

Labcorp Genetics (formerly Invitae), Labcorp
Classification: Uncertain significance for Dilated cardiomyopathy 1G; Autosomal recessive limb-girdle muscular dystrophy type 2J. Last evaluated: 2022-12-07. Review status: criteria provided, single submitter. Criteria: Invitae Variant Classification Sherloc (09022015). Collection method: clinical testing. Allele origin: germline.
Comment: This sequence change replaces serine, which is neutral and polar, with isoleucine, which is neutral and non-polar, at codon 34742 of the TTN protein (p.Ser34742Ile). This variant has not been reported in the literature in individuals affected with TTN-related conditions. Experimental studies and prediction algorithms are not available or were not evaluated, and the functional significance of this variant is currently unknown. In summary, the available evidence is currently insufficient to determine the role of this variant in disease. Therefore, it has been classified as a Variant of Uncertain Significance. This variant is located in the M band of TTN (PMID: 25589632). Variants in this region may be relevant for neuromuscular disorders, but have not been definitively shown to cause cardiomyopathy (PMID: 23975875). This variant is present in population databases (rs765636638, gnomAD 0.01%).

Literature cited by the submitters: PubMed 25589632; PubMed 23975875.